The following is an entry in ClinVar:

ClinVar aggregate classification (germline): Likely benign. Review status: criteria provided, multiple submitters, no conflicts (2 of 4 stars). 2 submissions from 2 submitters: Likely benign (2). Last evaluated 2025-12-28.

Conditions:
Methylcobalamin deficiency type cblE (HMAE). Also called: HOMOCYSTINURIA-MEGALOBLASTIC ANEMIA, cblE COMPLEMENTATION TYPE; HOMOCYSTINURIA-MEGALOBLASTIC ANEMIA, cblE TYPE; VITAMIN B12-RESPONSIVE HOMOCYSTINURIA, cblE TYPE. Identifiers: Orphanet 2169, Orphanet 622, MedGen C1856057, MONDO:0009354, OMIM 236270.

Allele frequency attached by ClinVar (database versions not stated): ExAC 0.00002; TOPMed 0.00009; gnomAD exomes 0.00014 and 0.00006; gnomAD 0.00007 and 0.00008.
gnomAD v4.1: 216 of 1,579,334 alleles (0.014%); highest among the groups gnomAD compares: Non-Finnish European, 0.017%; no homozygotes.

Submissions (2):

Labcorp Genetics (formerly Invitae), Labcorp
Classification: Likely benign for Methylcobalamin deficiency type cblE. Last evaluated: 2025-12-28. Review status: criteria provided, single submitter. Criteria: Invitae Variant Classification Sherloc (09022015). Collection method: clinical testing. Allele origin: germline.

GeneDx
Classification: Likely benign. Last evaluated: 2018-01-25. Review status: criteria provided, single submitter. Criteria: GeneDx Variant Classification (06012015). Collection method: clinical testing. Allele origin: germline. Affected: yes.
Comment: This variant is considered likely benign or benign based on one or more of the following criteria: it is a conservative change, it occurs at a poorly conserved position in the protein, it is predicted to be benign by multiple in silico algorithms, and/or has population frequency not consistent with disease.

NM_002454.3(MTRR):c.1058-17C>T

Gene: MTRR (5-methyltetrahydrofolate-homocysteine methyltransferase reductase; plus strand). Cytogenetic location: 5p15.31.
Variant type: single nucleotide variant.
Coding change: c.1058-17C>T on transcript NM_002454.3 (MANE Select); 17 bases into the intron before coding-DNA position 1058, C replaced by T.
Molecular consequence: intron variant.
Genome position (GRCh38, 1-based): chr5:7,886,598, C>T. VCF-style: chr5-7886598-C-T. GRCh37 (hg19) VCF-style: chr5-7886711-C-T.
Other names: c.1058-17C>T (NM_001364440.2, NM_001364441.2, NM_001364442.2 and 1 more transcripts).
Identifiers: ClinVar variation 506740 (VCV000506740.6), dbSNP rs754619256, ClinGen allele CA3195811.
Genomic context (GRCh38, chr5:7,886,598, plus strand): 5'-TGTTTTGGGGAGTGTGTAAAACATTTTATTCTTCATCTTCTATGTCATGAACCCCTTTCC[C>T]GTCTTTACCTGAAAAGGAGCTACCTTACCCCAGCATATACCTGCGGGATGTTCTCTCCAG-3'